The following is an entry in ClinVar:

ClinVar aggregate classification (germline): Uncertain significance (1 of 4 stars; one submission).

Conditions:
Atrioventricular septal defect 4 (AVSD4). Identifiers: MedGen C3280781, MONDO:0013747, OMIM 614430.

Submission:

Labcorp Genetics (formerly Invitae), Labcorp
Classification: Uncertain significance for Atrioventricular septal defect 4. Last evaluated: 2022-06-12. Review status: criteria provided, single submitter. Criteria: Invitae Variant Classification Sherloc (09022015). Collection method: clinical testing. Allele origin: germline.
Comment: This variant, c.538_543dup, results in the insertion of 2 amino acid(s) of the GATA4 protein (p.Ser180_Ala181dup), but otherwise preserves the integrity of the reading frame. In summary, the available evidence is currently insufficient to determine the role of this variant in disease. Therefore, it has been classified as a Variant of Uncertain Significance. Experimental studies and prediction algorithms are not available or were not evaluated, and the functional significance of this variant is currently unknown. ClinVar contains an entry for this variant (Variation ID: 857704). This variant has not been reported in the literature in individuals affected with GATA4-related conditions. This variant is not present in population databases (gnomAD no frequency).

NM_001308093.3(GATA4):c.538_543dup (p.Ser180_Ala181dup)

Gene: GATA4 (GATA binding protein 4). Cytogenetic location: 8p23.1.
Variant type: Duplication.
Coding change: c.538_543dup on transcript NM_001308093.3 (MANE Select); coding-DNA positions 538 to 543, 6 bases duplicated.
Protein change: p.Ser180_Ala181dup.
Molecular consequence: inframe insertion. On other transcripts: intron variant (3).
Genome position: GRCh38 VCF-style: chr8-11708844-G-GCCGCCT. GRCh37 (hg19) VCF-style: chr8-11566353-G-GCCGCCT.
Other names: c.538_543dup, p.Ser180_Ala181dup (NM_002052.5); c.-6+8072_-6+8077dup (NM_001308094.2); c.-3+836_-3+841dup (NM_001374274.1); c.-3+4546_-3+4551dup (NM_001374273.1).
Identifiers: ClinVar variation 857704 (VCV000857704.7), dbSNP rs1800026723, ClinGen allele CA916082976.
Genomic context (GRCh38, chr8:11,708,844, plus strand): 5'-TACTCCAGCCCCTACCCGGCTTACATGGCCGACGTGGGCGCGTCCTGGGCCGCAGCCGCC[G>GCCGCCT]CCGCCTCCGCCGGCCCCTTCGACAGCCCGGTCCTGCACAGCCTGCCCGGCCGGGCCAACC-3'